The following is an entry in ClinVar:

ClinVar aggregate classification (germline): Uncertain significance (1 of 4 stars; one submission).

Allele frequency attached by ClinVar (database versions not stated): gnomAD 0.00001 and 0.00003; TOPMed 0.00002; gnomAD exomes 0.00003 and 0.00008; ExAC 0.00005; 1000 Genomes Project 30x 0.00031; 1000 Genomes Project 0.00040.
gnomAD v4.1: 47 of 1,613,012 alleles (0.0029%); highest among the groups gnomAD compares: Admixed American, 0.032%; no homozygotes.

Submission:

Labcorp Genetics (formerly Invitae), Labcorp
Classification: Uncertain significance. Last evaluated: 2021-10-03. Review status: criteria provided, single submitter. Criteria: Invitae Variant Classification Sherloc (09022015). Collection method: clinical testing. Allele origin: germline.
Comment: This variant is present in population databases (rs140147912, ExAC 0.03%). In summary, the available evidence is currently insufficient to determine the role of this variant in disease. Therefore, it has been classified as a Variant of Uncertain Significance. Algorithms developed to predict the effect of missense changes on protein structure and function are either unavailable or do not agree on the potential impact of this missense change (SIFT: "Deleterious"; PolyPhen-2: "Probably Damaging"; Align-GVGD: "Class C0"). This variant has not been reported in the literature in individuals affected with SLCO5A1-related conditions. This sequence change replaces arginine with tryptophan at codon 596 of the SLCO5A1 protein (p.Arg596Trp). The arginine residue is moderately conserved and there is a moderate physicochemical difference between arginine and tryptophan.

NM_030958.3(SLCO5A1):c.1786C>T (p.Arg596Trp)

Gene: SLCO5A1 (solute carrier organic anion transporter family member 5A1; minus strand). Cytogenetic location: 8q13.3.
Variant type: single nucleotide variant.
Coding change: c.1786C>T on transcript NM_030958.3 (MANE Select); coding-DNA position 1786, C replaced by T.
Protein change: p.Arg596Trp; replaces arginine 596 with tryptophan.
Molecular consequence: missense variant.
Genome position (GRCh38, 1-based): chr8:69,679,616, G>A on the plus strand (C>T on the coding strand, the complement: SLCO5A1 is on the minus strand). VCF-style: chr8-69679616-G-A. GRCh37 (hg19) VCF-style: chr8-70591851-G-A.
Other names: c.1786C>T, p.Arg596Trp (NM_001146008.2); c.1621C>T, p.Arg541Trp (NM_001146009.1); short protein forms R596W, R541W.
Identifiers: ClinVar variation 1345555 (VCV001345555.6), dbSNP rs140147912, ClinGen allele CA4776487.